The following is an entry in ClinVar:

ClinVar aggregate classification (germline): Uncertain significance. Review status: criteria provided, multiple submitters, no conflicts (2 of 4 stars). 2 submissions from 2 submitters: Uncertain significance (2). Last evaluated 2025-08-03.

Conditions:
Hereditary diffuse gastric adenocarcinoma (HDGC). Also called: DIFFUSE GASTRIC AND LOBULAR BREAST CANCER SYNDROME. Identifiers: Orphanet 26106, MedGen C1708349, MONDO:0007648, OMIM 137215.
Hereditary cancer-predisposing syndrome. Also called: Hereditary neoplastic syndrome; Tumor predisposition; Neoplastic Syndromes, Hereditary; Hereditary Cancer Syndrome. Identifiers: Orphanet 140162, MedGen C0027672, MeSH D009386, MONDO:0015356.

gnomAD v4.1: 2 of 1,614,152 alleles (0.00012%); highest among the groups gnomAD compares: Admixed American, 0.0033%; no homozygotes.

Submissions (2):

Labcorp Genetics (formerly Invitae), Labcorp
Classification: Uncertain significance for Hereditary diffuse gastric adenocarcinoma. Last evaluated: 2025-08-03. Review status: criteria provided, single submitter. Criteria: Invitae Variant Classification Sherloc (09022015). Collection method: clinical testing. Allele origin: germline.
Comment: This sequence change replaces serine, which is neutral and polar, with arginine, which is basic and polar, at codon 838 of the CDH1 protein (p.Ser838Arg). This variant is not present in population databases (gnomAD no frequency). This variant has not been reported in the literature in individuals affected with CDH1-related conditions. ClinVar contains an entry for this variant (Variation ID: 857052). An algorithm developed to predict the effect of missense changes on protein structure and function (PolyPhen-2) suggests that this variant is likely to be disruptive. In summary, the available evidence is currently insufficient to determine the role of this variant in disease. Therefore, it has been classified as a Variant of Uncertain Significance.

Ambry Genetics
Classification: Uncertain significance for Hereditary cancer-predisposing syndrome. Last evaluated: 2022-02-28. Review status: criteria provided, single submitter. Criteria: Ambry Variant Classification Scheme 2023. Collection method: clinical testing. Allele origin: germline.
Comment: The p.S838R variant (also known as c.2514C>G), located in coding exon 16 of the CDH1 gene, results from a C to G substitution at nucleotide position 2514. The serine at codon 838 is replaced by arginine, an amino acid with dissimilar properties. This amino acid position is conserved. In addition, this alteration is predicted to be tolerated by in silico analysis. Since supporting evidence is limited at this time, the clinical significance of this alteration remains unclear.

NM_004360.5(CDH1):c.2514C>G (p.Ser838Arg)

Gene: CDH1 (cadherin 1; plus strand). Cytogenetic location: 16q22.1.
Variant type: single nucleotide variant.
Coding change: c.2514C>G on transcript NM_004360.5 (MANE Select); coding-DNA position 2514, C replaced by G.
Protein change: p.Ser838Arg; replaces serine 838 with arginine.
Molecular consequence: missense variant.
Genome position (GRCh38, 1-based): chr16:68,833,364, C>G. VCF-style: chr16-68833364-C-G. GRCh37 (hg19) VCF-style: chr16-68867267-C-G.
Other names: c.2331C>G, p.Ser777Arg (NM_001317184.2); c.966C>G, p.Ser322Arg (NM_001317185.2); c.549C>G, p.Ser183Arg (NM_001317186.2); short protein forms S183R, S322R, S838R, S777R.
Identifiers: ClinVar variation 857052 (VCV000857052.10), dbSNP rs770974998, ClinGen allele CA396472260.
Genomic context (GRCh38, chr16:68,833,364, plus strand): 5'-TGATACTGACCCCACAGCCCCGCCTTATGATTCTCTGCTCGTGTTTGACTATGAAGGAAG[C>G]GGTTCCGAAGCTGCTAGTCTGAGCTCCCTGAACTCCTCAGAGTCAGACAAAGACCAGGAC-3'
Protein context (NP_004351.1, residues 828-848): DSLLVFDYEG[Ser838Arg]GSEAASLSSL